The following is an entry in ClinVar:

ClinVar aggregate classification (germline): Uncertain significance (1 of 4 stars; one submission).

Submission:

Labcorp Genetics (formerly Invitae), Labcorp
Classification: Uncertain significance. Last evaluated: 2023-10-19. Review status: criteria provided, single submitter. Criteria: Invitae Variant Classification Sherloc (09022015). Collection method: clinical testing. Allele origin: germline.
Comment: This sequence change replaces proline, which is neutral and non-polar, with serine, which is neutral and polar, at codon 299 of the DEAF1 protein (p.Pro299Ser). This variant is not present in population databases (gnomAD no frequency). This variant has not been reported in the literature in individuals affected with DEAF1-related conditions. Advanced modeling of protein sequence and biophysical properties (such as structural, functional, and spatial information, amino acid conservation, physicochemical variation, residue mobility, and thermodynamic stability) performed at Invitae indicates that this missense variant is expected to disrupt DEAF1 protein function. Algorithms developed to predict the effect of sequence changes on RNA splicing suggest that this variant may disrupt the consensus splice site. In summary, the available evidence is currently insufficient to determine the role of this variant in disease. Therefore, it has been classified as a Variant of Uncertain Significance.

NM_021008.4(DEAF1):c.895C>T (p.Pro299Ser)

Gene: DEAF1 (DEAF1 transcription factor; minus strand). Cytogenetic location: 11p15.5.
Variant type: single nucleotide variant.
Coding change: c.895C>T on transcript NM_021008.4 (MANE Select); coding-DNA position 895, C replaced by T.
Protein change: p.Pro299Ser; replaces proline 299 with serine.
Molecular consequence: missense variant. On other transcripts: intron variant (1).
Genome position (GRCh38, 1-based): chr11:681,065, G>A on the plus strand (C>T on the coding strand, the complement: DEAF1 is on the minus strand). VCF-style: chr11-681065-G-A. GRCh37 (hg19) VCF-style: chr11-681065-G-A.
Other names: c.169C>T, p.Pro57Ser (NM_001367390.1, NM_001440885.1, NM_001440886.1 and 1 more transcripts); c.895C>T, p.Pro299Ser (NM_001440883.1, NM_001440884.1); c.731-1249C>T (NM_001293634.2); short protein forms P299S, P57S.
Identifiers: ClinVar variation 2767393 (VCV002767393.3), dbSNP rs2494418211, ClinGen allele CA378928569.